The following is an entry in ClinVar:

NM_001139.3(ALOX12B):c.1785_1790del (p.Phe595_Ala597delinsLeu)

Gene: ALOX12B (arachidonate 12-lipoxygenase, 12R type; minus strand). Cytogenetic location: 17p13.1.
Variant type: Deletion.
Coding change: c.1785_1790del on transcript NM_001139.3 (MANE Select); coding-DNA positions 1785 to 1790, 6 bases deleted (CCCAGC; older notation c.1785_1790delCCCAGC).
Protein change: p.Phe595_Ala597delinsLeu.
Molecular consequence: inframe indel.
Genome position (GRCh38, 1-based): chr17:8,073,284-8,073,289, GCTGGG deleted on the plus strand (CCCAGC on the coding strand, the reverse complement: ALOX12B is on the minus strand). VCF-style (leftmost placement, unchanged base first): chr17-8073283-CGCTGGG-C. GRCh37 (hg19) VCF-style: chr17-7976601-CGCTGGG-C.
Identifiers: ClinVar variation 1438249 (VCV001438249.6), dbSNP rs2151821013, ClinGen allele CA2573154877.

ClinVar aggregate classification (germline): Pathogenic (1 of 4 stars; one submission).

Submission:

Labcorp Genetics (formerly Invitae), Labcorp
Classification: Pathogenic. Last evaluated: 2023-07-17. Review status: criteria provided, single submitter. Criteria: Invitae Variant Classification Sherloc (09022015). Collection method: clinical testing. Allele origin: germline.
Comment: For these reasons, this variant has been classified as Pathogenic. This variant disrupts a region of the ALOX12B protein in which other variant(s) (p.Ala597Glu) have been determined to be pathogenic (PMID: 19890349, 31168818, 33435499; Invitae). This suggests that this is a clinically significant region of the protein, and that variants that disrupt it are likely to be disease-causing. ClinVar contains an entry for this variant (Variation ID: 1438249). This variant has been observed in individual(s) with clinical features of ALOX12B-related conditions (Invitae). In at least one individual the data is consistent with being in trans (on the opposite chromosome) from a pathogenic variant. This variant is not present in population databases (gnomAD no frequency). This variant, c.1785_1790del, is a complex sequence change that results in the deletion of 3 and insertion of 1 amino acid(s) in the ALOX12B protein (p.Phe595_Ala597delinsLeu).

Literature cited by the submitters: PubMed 19890349; PubMed 31168818; PubMed 33435499.